The following is an entry in ClinVar:

ClinVar aggregate classification (germline): Uncertain significance. Review status: criteria provided, multiple submitters, no conflicts (2 of 4 stars). 3 submissions from 3 submitters: Uncertain significance (2). 1 of the submissions does not count toward it. Last evaluated 2025-01-18.

Conditions:
DNMT3A-related disorder. Also called: DNMT3A-related condition; DNMT3A-related disorders.
Inborn genetic diseases. Identifiers: MedGen C0950123, MeSH D030342.
Tatton-Brown-Rahman overgrowth syndrome. Also called: Tall stature-intellectual disability-facial dysmorphism syndrome; Tatton-Brown-Rahman syndrome. Identifiers: Orphanet 404443, MedGen C4014545, MONDO:0014382, OMIM 615879.

gnomAD v4.1: 2 of 1,614,024 alleles (0.00012%); highest among the groups gnomAD compares: Admixed American, 0.0017%; no homozygotes.

Submissions (3):

Ambry Genetics
Classification: Uncertain significance for Inborn genetic diseases. Last evaluated: 2025-01-18. Review status: criteria provided, single submitter. Criteria: Ambry Variant Classification Scheme 2023. Collection method: clinical testing. Allele origin: germline.
Comment: The p.N489H variant (also known as c.1465A>C), located in coding exon 11 of the DNMT3A gene, results from an A to C substitution at nucleotide position 1465. The asparagine at codon 489 is replaced by histidine, an amino acid with similar properties. This amino acid position is conserved. In addition, this alteration is predicted to be tolerated by in silico analysis. Based on the available evidence, the clinical significance of this variant remains unclear.

Labcorp Genetics (formerly Invitae), Labcorp
Classification: Uncertain significance for Tatton-Brown-Rahman overgrowth syndrome. Last evaluated: 2024-01-31. Review status: criteria provided, single submitter. Criteria: Invitae Variant Classification Sherloc (09022015). Collection method: clinical testing. Allele origin: germline.
Comment: This sequence change replaces asparagine, which is neutral and polar, with histidine, which is basic and polar, at codon 489 of the DNMT3A protein (p.Asn489His). This variant is present in population databases (no rsID available, gnomAD 0.003%). This variant has not been reported in the literature in individuals affected with DNMT3A-related conditions. Advanced modeling of protein sequence and biophysical properties (such as structural, functional, and spatial information, amino acid conservation, physicochemical variation, residue mobility, and thermodynamic stability) performed at Invitae indicates that this missense variant is not expected to disrupt DNMT3A protein function with a negative predictive value of 80%. In summary, the available evidence is currently insufficient to determine the role of this variant in disease. Therefore, it has been classified as a Variant of Uncertain Significance.

PreventionGenetics, part of Exact Sciences
Classification: Uncertain significance for DNMT3A-related condition. Last evaluated: 2024-09-13. Review status: no assertion criteria provided. Collection method: clinical testing. Allele origin: germline. Not counted in ClinVar's aggregate classification.
Comment: The DNMT3A c.1465A>C variant is predicted to result in the amino acid substitution p.Asn489His. To our knowledge, this variant has not been reported in the literature. This variant is reported in 0.0029% of alleles in individuals of Latino descent in gnomAD. At this time, the clinical significance of this variant is uncertain due to the absence of conclusive functional and genetic evidence.

NM_022552.5(DNMT3A):c.1465A>C (p.Asn489His)

Gene: DNMT3A (DNA methyltransferase 3 alpha; minus strand). Cytogenetic location: 2p23.3.
Variant type: single nucleotide variant.
Coding change: c.1465A>C on transcript NM_022552.5 (MANE Select); coding-DNA position 1465, A replaced by C.
Protein change: p.Asn489His; replaces asparagine 489 with histidine.
Molecular consequence: missense variant. On other transcripts: non-coding transcript variant (1).
Genome position (GRCh38, 1-based): chr2:25,246,029, T>G on the plus strand (A>C on the coding strand, the complement: DNMT3A is on the minus strand). VCF-style: chr2-25246029-T-G. GRCh37 (hg19) VCF-style: chr2-25468898-T-G.
Other names: c.1465A>C (NM_022552.3); c.1009A>C, p.Asn337His (NM_001320893.1); c.796A>C, p.Asn266His (NM_001375819.1); c.898A>C, p.Asn300His (NM_153759.3); c.1465A>C, p.Asn489His (NM_175629.2); short protein forms N266H, N300H, N337H, N489H.
Identifiers: ClinVar variation 3358785 (VCV003358785.4).